The following is an entry in ClinVar:

NM_199355.4(ADAMTS18):c.2489G>C (p.Arg830Pro)

Gene: ADAMTS18 (ADAM metallopeptidase with thrombospondin type 1 motif 18; minus strand). Cytogenetic location: 16q23.1.
Variant type: single nucleotide variant.
Coding change: c.2489G>C on transcript NM_199355.4 (MANE Select); coding-DNA position 2489, G replaced by C.
Protein change: p.Arg830Pro; replaces arginine 830 with proline.
Molecular consequence: missense variant.
Genome position (GRCh38, 1-based): chr16:77,319,892, C>G on the plus strand (G>C on the coding strand, the complement: ADAMTS18 is on the minus strand). VCF-style: chr16-77319892-C-G. GRCh37 (hg19) VCF-style: chr16-77353789-C-G.
Other names: c.1973G>C, p.Arg658Pro (NM_001326358.2); short protein forms R658P, R830P.
Identifiers: ClinVar variation 837858 (VCV000837858.8), dbSNP rs1035878515, ClinGen allele CA396827281.

ClinVar aggregate classification (germline): Uncertain significance (1 of 4 stars; one submission).

Allele frequency attached by ClinVar (database versions not stated): TOPMed 0.00001.
gnomAD v4.1: 5 of 1,614,100 alleles (0.00031%); highest among the groups gnomAD compares: Non-Finnish European, 0.00034%; no homozygotes.

Submission:

Labcorp Genetics (formerly Invitae), Labcorp
Classification: Uncertain significance. Last evaluated: 2019-11-27. Review status: criteria provided, single submitter. Criteria: Invitae Variant Classification Sherloc (09022015). Collection method: clinical testing. Allele origin: germline.
Comment: This sequence change replaces arginine with proline at codon 830 of the ADAMTS18 protein (p.Arg830Pro). The arginine residue is moderately conserved and there is a moderate physicochemical difference between arginine and proline. This variant is not present in population databases (ExAC no frequency). This variant has not been reported in the literature in individuals with ADAMTS18-related conditions. Algorithms developed to predict the effect of missense changes on protein structure and function are either unavailable or do not agree on the potential impact of this missense change (SIFT: "Tolerated"; PolyPhen-2: "Possibly Damaging"; Align-GVGD: "Class C0"). In summary, the available evidence is currently insufficient to determine the role of this variant in disease. Therefore, it has been classified as a Variant of Uncertain Significance.